The following is an entry in ClinVar:

NM_001127222.2(CACNA1A):c.4916G>A (p.Gly1639Asp)

Gene: CACNA1A (calcium voltage-gated channel subunit alpha1 A; minus strand). Cytogenetic location: 19p13.13.
Variant type: single nucleotide variant.
Coding change: c.4916G>A on transcript NM_001127222.2 (MANE Select); coding-DNA position 4916, G replaced by A.
Protein change: p.Gly1639Asp; replaces glycine 1639 with aspartic acid.
Molecular consequence: missense variant.
Genome position (GRCh38, 1-based): chr19:13,245,216, C>T on the plus strand (G>A on the coding strand, the complement: CACNA1A is on the minus strand). VCF-style: chr19-13245216-C-T. GRCh37 (hg19) VCF-style: chr19-13356030-C-T.
Other names: c.4928G>A, p.Gly1643Asp (NM_000068.4, NM_023035.3); c.4919G>A, p.Gly1640Asp (NM_001127221.2, NM_001174080.2); short protein forms G1639D, G1640D, G1643D.
Identifiers: ClinVar variation 1326035 (VCV001326035.5), dbSNP rs2144691967, ClinGen allele CA404337928.
Genomic context (GRCh38, chr19:13,245,216, plus strand): 5'-CAGAGAGAAGCTGGAGGGAGACTTACCCCAAACTCAGTCACGAGGATATCGGTGATGCTG[C>T]CCAGAACAGTCACAAAGTCGAAGATGTTCCAGGCATCGCGGAAATAATTCTAGAATGGGG-3'
Protein context (NP_001120694.1, residues 1629-1649): WNIFDFVTVL[Gly1639Asp]SITDILVTEF

ClinVar aggregate classification (germline): Uncertain significance. Review status: criteria provided, multiple submitters, no conflicts (2 of 4 stars). 2 submissions from 2 submitters: Uncertain significance (2). Last evaluated 2023-12-04.

Submissions (2):

GeneDx
Classification: Uncertain significance. Last evaluated: 2023-12-04. Review status: criteria provided, single submitter. Criteria: GeneDx Variant Classification Process June 2021. Collection method: clinical testing. Allele origin: germline. Affected: yes.
Comment: Not observed at significant frequency in large population cohorts (gnomAD); In silico analysis supports that this missense variant has a deleterious effect on protein structure/function; Has not been previously published as pathogenic or benign to our knowledge

Blueprint Genetics
Classification: Uncertain significance. Last evaluated: 2021-08-27. Review status: criteria provided, single submitter. Criteria: ACMG Guidelines, 2015. Collection method: clinical testing. Allele origin: germline.